The following is an entry in ClinVar:

ClinVar aggregate classification (germline): Uncertain significance. Review status: criteria provided, multiple submitters, no conflicts (2 of 4 stars). 3 submissions from 3 submitters: Uncertain significance (3). Last evaluated 2025-09-29.

Conditions:
Cardiovascular phenotype. Identifiers: MedGen CN230736.
Brugada syndrome 8 (BRGDA8). Identifiers: Orphanet 130, MedGen C2751083, MONDO:0013148, OMIM 613123.

Allele frequency attached by ClinVar (database versions not stated): gnomAD 0.00001; TOPMed 0.00002.
gnomAD v4.1: 2 of 1,563,944 alleles (0.00013%); highest among the groups gnomAD compares: African/African-American, 0.0027%; no homozygotes.

Submissions (3):

Labcorp Genetics (formerly Invitae), Labcorp
Classification: Uncertain significance for Brugada syndrome 8. Last evaluated: 2025-09-29. Review status: criteria provided, single submitter. Criteria: Invitae Variant Classification Sherloc (09022015). Collection method: clinical testing. Allele origin: germline.
Comment: This sequence change replaces arginine, which is basic and polar, with serine, which is neutral and polar, at codon 1121 of the HCN4 protein (p.Arg1121Ser). This variant is not present in population databases (gnomAD no frequency). This variant has not been reported in the literature in individuals affected with HCN4-related conditions. ClinVar contains an entry for this variant (Variation ID: 198824). Invitae Evidence Modeling of protein sequence and biophysical properties (such as structural, functional, and spatial information, amino acid conservation, physicochemical variation, residue mobility, and thermodynamic stability) indicates that this missense variant is not expected to disrupt HCN4 protein function with a negative predictive value of 95%. In summary, the available evidence is currently insufficient to determine the role of this variant in disease. Therefore, it has been classified as a Variant of Uncertain Significance.

Ambry Genetics
Classification: Uncertain significance for Cardiovascular phenotype. Last evaluated: 2019-10-03. Review status: criteria provided, single submitter. Criteria: Ambry Variant Classification Scheme 2023. Collection method: clinical testing. Allele origin: germline.
Comment: The p.R1121S variant (also known as c.3363G>C), located in coding exon 8 of the HCN4 gene, results from a G to C substitution at nucleotide position 3363. The arginine at codon 1121 is replaced by serine, an amino acid with dissimilar properties. This amino acid position is well conserved in available vertebrate species. In addition, this alteration is predicted to be tolerated by in silico analysis. Since supporting evidence is limited at this time, the clinical significance of this alteration remains unclear.

Eurofins Ntd Llc (ga)
Classification: Uncertain significance. Last evaluated: 2015-05-27. Review status: criteria provided, single submitter. Criteria: EGL Classification Definitions 2015. Collection method: clinical testing. Allele origin: germline. Observed: 1 variant allele, 1 heterozygote.

NM_005477.3(HCN4):c.3363G>C (p.Arg1121Ser)

Gene: HCN4 (hyperpolarization activated cyclic nucleotide gated potassium channel 4; minus strand). Cytogenetic location: 15q24.1.
Variant type: single nucleotide variant.
Coding change: c.3363G>C on transcript NM_005477.3 (MANE Select); coding-DNA position 3363, G replaced by C.
Protein change: p.Arg1121Ser; replaces arginine 1121 with serine.
Molecular consequence: missense variant.
Genome position (GRCh38, 1-based): chr15:73,322,730, C>G on the plus strand (G>C on the coding strand, the complement: HCN4 is on the minus strand). VCF-style: chr15-73322730-C-G. GRCh37 (hg19) VCF-style: chr15-73615071-C-G.
Other names: short protein forms R1121S.
Identifiers: ClinVar variation 198824 (VCV000198824.12), dbSNP rs794727919, ClinGen allele CA247661.